The following is an entry in ClinVar:

NM_000264.5(PTCH1):c.1774T>C (p.Phe592Leu)

Genes: PTCH1 (patched 1; minus strand), LOC100507346 (uncharacterized LOC100507346; plus strand). Cytogenetic location: 9q22.32.
Variant type: single nucleotide variant.
Coding change: c.1774T>C on transcript NM_000264.5 (MANE Select); coding-DNA position 1774, T replaced by C.
Protein change: p.Phe592Leu; replaces phenylalanine 592 with leucine.
Molecular consequence: missense variant. On other transcripts: non-coding transcript variant (2).
Genome position (GRCh38, 1-based): chr9:95,469,886, A>G on the plus strand (T>C on the coding strand, the complement: PTCH1 is on the minus strand). VCF-style: chr9-95469886-A-G. GRCh37 (hg19) VCF-style: chr9-98232168-A-G.
Other names: c.1576T>C, p.Phe526Leu (NM_001083602.3); c.1771T>C, p.Phe591Leu (NM_001083603.3); c.1321T>C, p.Phe441Leu (NM_001083604.3, NM_001083605.3, NM_001083606.3 and 1 more transcripts); c.1618T>C, p.Phe540Leu (NM_001354918.2); short protein forms F540L, F591L, F441L, F526L, F592L.
Identifiers: ClinVar variation 1779851 (VCV001779851.3), dbSNP rs1840404658, ClinGen allele CA374116381.

ClinVar aggregate classification (germline): Uncertain significance (1 of 4 stars; one submission).

Conditions:
Hereditary cancer-predisposing syndrome. Also called: Neoplastic Syndromes, Hereditary; Tumor predisposition; Hereditary Cancer Syndrome; Hereditary neoplastic syndrome. Identifiers: Orphanet 140162, MedGen C0027672, MeSH D009386, MONDO:0015356.

Allele frequency attached by ClinVar (database versions not stated): TOPMed below 0.00001.

Submission:

Ambry Genetics
Classification: Uncertain significance for Hereditary cancer-predisposing syndrome. Last evaluated: 2026-05-07. Review status: criteria provided, single submitter. Criteria: Ambry Variant Classification Scheme 2023. Collection method: clinical testing. Allele origin: germline.
Comment: The p.F592L variant (also known as c.1774T>C), located in coding exon 13 of the PTCH1 gene, results from a T to C substitution at nucleotide position 1774. The phenylalanine at codon 592 is replaced by leucine, an amino acid with highly similar properties. This amino acid position is conserved. In addition, this alteration is predicted to be deleterious by in silico analysis. Based on the available evidence, the clinical significance of this variant remains unclear.